The following is an entry in ClinVar:

NM_001370466.1(NOD2):c.1679G>A (p.Arg560His)

Gene: NOD2 (nucleotide binding oligomerization domain containing 2; plus strand). Cytogenetic location: 16q12.1.
Variant type: single nucleotide variant.
Coding change: c.1679G>A on transcript NM_001370466.1 (MANE Select); coding-DNA position 1679, G replaced by A.
Protein change: p.Arg560His; replaces arginine 560 with histidine.
Molecular consequence: missense variant. On other transcripts: non-coding transcript variant (1).
Genome position (GRCh38, 1-based): chr16:50,711,671, G>A. VCF-style: chr16-50711671-G-A. GRCh37 (hg19) VCF-style: chr16-50745582-G-A.
Other names: c.1679G>A, p.Arg560His (NM_001293557.2); c.1760G>A, p.Arg587His (NM_022162.3); short protein forms R587H, R560H.
Identifiers: ClinVar variation 570145 (VCV000570145.12), dbSNP rs373185098, ClinGen allele CA8051619.

ClinVar aggregate classification (germline): Uncertain significance. Review status: criteria provided, multiple submitters, no conflicts (2 of 4 stars). 2 submissions from 2 submitters: Uncertain significance (2). Last evaluated 2026-03-18.

Conditions:
Blau syndrome (BLAUS). Also called: ARTHROCUTANEOUVEAL GRANULOMATOSIS; GRANULOMATOSIS, FAMILIAL JUVENILE SYSTEMIC; GRANULOMATOSIS, FAMILIAL, BLAU TYPE; GRANULOMATOUS INFLAMMATORY ARTHRITIS, DERMATITIS, AND UVEITIS, FAMILIAL; JABS SYNDROME. Identifiers: MONDO:0008523, OMIM 186580, Orphanet 90340, MedGen C5201146.
Regional enteritis. Also called: Enteritis, Granulomatous. Identifiers: MedGen C0678202, MeSH D003424.

Allele frequency attached by ClinVar (database versions not stated): ExAC 0.00002; gnomAD exomes 0.00002; gnomAD 0.00005; TOPMed 0.00008.
gnomAD v4.1: 31 of 1,613,360 alleles (0.0019%); highest among the groups gnomAD compares: African/African-American, 0.012%; no homozygotes.

Submissions (2):

Women's Health and Genetics/Laboratory Corporation of America, LabCorp
Classification: Uncertain significance. Last evaluated: 2026-03-18. Review status: criteria provided, single submitter. Criteria: LabCorp Variant Classification Summary - May 2015. Collection method: clinical testing. Allele origin: germline.
Comment: Variant summary: NOD2 c.1760G>A (p.Arg587His) results in a non-conservative amino acid change in the encoded protein sequence. Algorithms developed to predict the effect of missense changes on protein structure and function are either unavailable or do not agree on the potential impact of this missense change. The variant allele was found at a frequency of 2e-05 in 250346 control chromosomes (gnomAD). The available data on variant occurrences in the general population are insufficient to allow any conclusion about variant significance. To our knowledge, no occurrence of c.1760G>A in individuals affected with NOD2-related conditions and no experimental evidence demonstrating its impact on protein function have been reported. A different variant affecting the same codon has been classified as likely pathogenic/pathogenic by our lab (c.1759C>T, p.Arg587Cys), supporting the critical relevance of codon 587 to NOD2 protein function. ClinVar contains an entry for this variant (Variation ID: 570145). Based on the evidence outlined above, the variant was classified as uncertain significance.

Labcorp Genetics (formerly Invitae), Labcorp
Classification: Uncertain significance for Regional enteritis; Blau syndrome. Last evaluated: 2024-11-11. Review status: criteria provided, single submitter. Criteria: Invitae Variant Classification Sherloc (09022015). Collection method: clinical testing. Allele origin: germline.
Comment: This sequence change replaces arginine, which is basic and polar, with histidine, which is basic and polar, at codon 587 of the NOD2 protein (p.Arg587His). This variant is present in population databases (rs373185098, gnomAD 0.007%). This variant has not been reported in the literature in individuals affected with NOD2-related conditions. ClinVar contains an entry for this variant (Variation ID: 570145). Invitae Evidence Modeling of protein sequence and biophysical properties (such as structural, functional, and spatial information, amino acid conservation, physicochemical variation, residue mobility, and thermodynamic stability) indicates that this missense variant is not expected to disrupt NOD2 protein function with a negative predictive value of 95%. This variant disrupts the p.Arg587 amino acid residue in NOD2. Other variant(s) that disrupt this residue have been determined to be pathogenic (PMID: 17968944, 30693132, 32647028). This suggests that this residue is clinically significant, and that variants that disrupt this residue are likely to be disease-causing. In summary, the available evidence is currently insufficient to determine the role of this variant in disease. Therefore, it has been classified as a Variant of Uncertain Significance.

Literature cited by the submitters: PubMed 17968944 (cited by Labcorp Genetics (formerly Invitae), Labcorp); PubMed 30693132 (cited by Labcorp Genetics (formerly Invitae), Labcorp); PubMed 32647028 (cited by Labcorp Genetics (formerly Invitae), Labcorp).